The following is an entry in ClinVar:

NM_006005.3(WFS1):c.1037C>T (p.Pro346Leu)

Gene: WFS1 (wolframin ER transmembrane glycoprotein; plus strand). Cytogenetic location: 4p16.1.
Variant type: single nucleotide variant.
Coding change: c.1037C>T on transcript NM_006005.3 (MANE Select); coding-DNA position 1037, C replaced by T.
Protein change: p.Pro346Leu; replaces proline 346 with leucine.
Molecular consequence: missense variant.
Genome position (GRCh38, 1-based): chr4:6,300,832, C>T. VCF-style: chr4-6300832-C-T. GRCh37 (hg19) VCF-style: chr4-6302559-C-T.
Other names: c.1037C>T, p.Pro346Leu (NM_001145853.1); short protein forms P346L.
Identifiers: ClinVar variation 229634 (VCV000229634.40), dbSNP rs773900146, ClinGen allele CA2839198.

ClinVar aggregate classification (germline): Conflicting classifications of pathogenicity. Review status: criteria provided, conflicting classifications (1 of 4 stars). 7 submissions from 7 submitters: Pathogenic (1); Likely pathogenic (2); Uncertain significance (4). Last evaluated 2024-10-26.

Conditions:
Wolfram syndrome 1 (WFS1). Identifiers: Orphanet 3463, MedGen C4551693, MONDO:0009101, OMIM 222300.
Type 2 diabetes mellitus. Also called: Type II diabetes mellitus. Identifiers: MedGen C0011860, MeSH D003924, MONDO:0005148, OMIM 125853, HP:0005978.
Autosomal dominant nonsyndromic hearing loss 6 (LFSNHL). Also called: DEAFNESS, AUTOSOMAL DOMINANT 6; Autosomal dominant nonsyndromic deafness 6; DEAFNESS, AUTOSOMAL DOMINANT 14; DEAFNESS, AUTOSOMAL DOMINANT 38. Identifiers: Orphanet 90635, MedGen C1833021, MONDO:0010963, OMIM 600965.
Cataract 41 (CTRCT41). Also called: CATARACT 41, CONGENITAL NUCLEAR TYPE. Identifiers: Orphanet 91492, Orphanet 98991, Orphanet 98992, Orphanet 98995, MedGen C3805412, MONDO:0007287, OMIM 116400.
Wolfram-like syndrome. Also called: HEARING LOSS, PROGRESSIVE, WITH OPTIC ATROPHY AND/OR IMPAIRED GLUCOSE REGULATION. Identifiers: Orphanet 411590, MedGen C3280358, MONDO:0013673, OMIM 614296.

Allele frequency attached by ClinVar (database versions not stated): gnomAD 0.00001; TOPMed 0.00001; ExAC 0.00002; gnomAD exomes 0.00002.
gnomAD v4.1: 22 of 1,613,966 alleles (0.0014%); highest among the groups gnomAD compares: Middle Eastern, 0.016%; no homozygotes.

Submissions (7):

Labcorp Genetics (formerly Invitae), Labcorp
Classification: Pathogenic. Last evaluated: 2024-10-26. Review status: criteria provided, single submitter. Criteria: Invitae Variant Classification Sherloc (09022015). Collection method: clinical testing. Allele origin: germline.
Comment: This sequence change replaces proline, which is neutral and non-polar, with leucine, which is neutral and non-polar, at codon 346 of the WFS1 protein (p.Pro346Leu). This variant is present in population databases (rs773900146, gnomAD 0.01%). This missense change has been observed in individual(s) with autosomal recessive Wolfram syndrome (PMID: 17568405; internal data). In at least one individual the data is consistent with being in trans (on the opposite chromosome) from a pathogenic variant. It has also been observed to segregate with disease in related individuals. ClinVar contains an entry for this variant (Variation ID: 229634). Invitae Evidence Modeling of protein sequence and biophysical properties (such as structural, functional, and spatial information, amino acid conservation, physicochemical variation, residue mobility, and thermodynamic stability) has been performed for this missense variant. However, the output from this modeling did not meet the statistical confidence thresholds required to predict the impact of this variant on WFS1 protein function. For these reasons, this variant has been classified as Pathogenic.

Fulgent Genetics
Classification: Uncertain significance for Cataract 41; Type 2 diabetes mellitus; Wolfram syndrome 1; Autosomal dominant nonsyndromic hearing loss 6; Wolfram-like syndrome. Last evaluated: 2024-03-05. Review status: criteria provided, single submitter. Criteria: ACMG Guidelines, 2015. Collection method: clinical testing. Allele origin: germline.

CeGaT Center for Human Genetics Tuebingen
Classification: Uncertain significance. Last evaluated: 2023-07-01. Review status: criteria provided, single submitter. Criteria: CeGaT Center For Human Genetics Tuebingen Variant Classification Criteria Version 2. Collection method: clinical testing. Allele origin: germline. Affected: yes. Observed: 1 variant allele.
Comment: WFS1: PM2, PM3:Supporting

Blueprint Genetics
Classification: Uncertain significance. Last evaluated: 2022-07-05. Review status: criteria provided, single submitter. Criteria: ACMG Guidelines, 2015. Collection method: clinical testing. Allele origin: germline.

MGZ Medical Genetics Center
Classification: Likely pathogenic for Wolfram syndrome 1. Last evaluated: 2022-05-25. Review status: criteria provided, single submitter. Criteria: ACMG Guidelines, 2015. Collection method: clinical testing. Allele origin: germline. Affected: yes. Observed: 1 variant allele.
Comment: ACMG criteria applied: PM3_STR, PS4_MOD, PM2_SUP, PP4

Institute of Medical Genetics and Applied Genomics, University Hospital Tübingen
Classification: Likely pathogenic. Last evaluated: 2021-02-01. Review status: criteria provided, single submitter. Criteria: ACMG Guidelines, 2015. Collection method: clinical testing. Allele origin: germline. Inheritance: Autosomal recessive inheritance. Affected: yes.

Laboratory for Molecular Medicine, Mass General Brigham Personalized Medicine
Classification: Uncertain significance. Last evaluated: 2015-02-06. Review status: criteria provided, single submitter. Criteria: LMM Criteria. Collection method: clinical testing. Allele origin: germline. Observed: 1 variant allele.
Comment: This variant has also be en identified in 1/6748 European chromosomes by the Exome Aggregation Consortium (ExAC); however, its frequency is not high enou gh to rule out a pathogenicity. Computational prediction tools and conservation analyses suggest that the p.Pro346Leu variant may impact the protein, though thi s information is not predictive enough to determine pathogenicity. In summary, t he clinical significance of the p.Pro346Leu variant is uncertain.

Literature cited by the submitters: PubMed 17568405 (cited by Labcorp Genetics (formerly Invitae), Labcorp and Laboratory for Molecular Medicine, Mass General Brigham Personalized Medicine).